The following is an entry in ClinVar:

NM_004656.4(BAP1):c.953G>T (p.Gly318Val)

Gene: BAP1 (BRCA1 associated deubiquitinase 1; minus strand). Cytogenetic location: 3p21.1.
Variant type: single nucleotide variant.
Coding change: c.953G>T on transcript NM_004656.4 (MANE Select); coding-DNA position 953, G replaced by T.
Protein change: p.Gly318Val; replaces glycine 318 with valine.
Molecular consequence: missense variant.
Genome position (GRCh38, 1-based): chr3:52,405,273, C>A on the plus strand (G>T on the coding strand, the complement: BAP1 is on the minus strand). VCF-style: chr3-52405273-C-A. GRCh37 (hg19) VCF-style: chr3-52439289-C-A.
Other names: short protein forms G318V.
Identifiers: ClinVar variation 1432508 (VCV001432508.7), dbSNP rs1705114213, ClinGen allele CA353106273.

ClinVar aggregate classification (germline): Uncertain significance. Review status: criteria provided, multiple submitters, no conflicts (2 of 4 stars). 2 submissions from 2 submitters: Uncertain significance (2). Last evaluated 2025-07-15.

Conditions:
BAP1-related tumor predisposition syndrome (TPDS1). Also called: Tumor susceptibility linked to germline BAP1 mutations; COMMON Syndrome; TUMOR PREDISPOSITION SYNDROME 1; BAP1 tumor predisposition syndrome. Identifiers: Orphanet 289539, MedGen C3280492, MONDO:0013692, OMIM 614327.

Submissions (2):

Labcorp Genetics (formerly Invitae), Labcorp
Classification: Uncertain significance for BAP1-related tumor predisposition syndrome. Last evaluated: 2025-07-15. Review status: criteria provided, single submitter. Criteria: Invitae Variant Classification Sherloc (09022015). Collection method: clinical testing. Allele origin: germline.
Comment: This sequence change replaces glycine, which is neutral and non-polar, with valine, which is neutral and non-polar, at codon 318 of the BAP1 protein (p.Gly318Val). This variant is not present in population databases (gnomAD no frequency). This variant has not been reported in the literature in individuals affected with BAP1-related conditions. ClinVar contains an entry for this variant (Variation ID: 1432508). Invitae Evidence Modeling of protein sequence and biophysical properties (such as structural, functional, and spatial information, amino acid conservation, physicochemical variation, residue mobility, and thermodynamic stability) indicates that this missense variant is not expected to disrupt BAP1 protein function with a negative predictive value of 80%. In summary, the available evidence is currently insufficient to determine the role of this variant in disease. Therefore, it has been classified as a Variant of Uncertain Significance.

Baylor Genetics
Classification: Uncertain significance for BAP1-related tumor predisposition syndrome. Last evaluated: 2024-03-27. Review status: criteria provided, single submitter. Criteria: ACMG Guidelines, 2015. Collection method: clinical testing. Allele origin: unknown.